The following is an entry in ClinVar:

NM_001384732.1(CPLANE1):c.6716T>A (p.Leu2239His)

Gene: CPLANE1 (ciliogenesis and planar polarity effector complex subunit 1; minus strand). Cytogenetic location: 5p13.2.
Variant type: single nucleotide variant.
Coding change: c.6716T>A on transcript NM_001384732.1 (MANE Select); coding-DNA position 6716, T replaced by A.
Protein change: p.Leu2239His; replaces leucine 2239 with histidine.
Molecular consequence: missense variant.
Genome position (GRCh38, 1-based): chr5:37,169,308, A>T on the plus strand (T>A on the coding strand, the complement: CPLANE1 is on the minus strand). VCF-style: chr5-37169308-A-T. GRCh37 (hg19) VCF-style: chr5-37169410-A-T.
Other names: c.6716T>A, p.Leu2239His (NM_023073.4); short protein forms L2239H.
Identifiers: ClinVar variation 1964219 (VCV001964219.5), dbSNP rs1405851308, ClinGen allele CA359479950.

ClinVar aggregate classification (germline): Uncertain significance (1 of 4 stars; one submission).

Submission:

Labcorp Genetics (formerly Invitae), Labcorp
Classification: Uncertain significance. Last evaluated: 2022-08-19. Review status: criteria provided, single submitter. Criteria: Invitae Variant Classification Sherloc (09022015). Collection method: clinical testing. Allele origin: germline.
Comment: This sequence change replaces leucine, which is neutral and non-polar, with histidine, which is basic and polar, at codon 2239 of the CPLANE1 protein (p.Leu2239His). This variant is not present in population databases (gnomAD no frequency). This variant has not been reported in the literature in individuals affected with CPLANE1-related conditions. Advanced modeling of protein sequence and biophysical properties (such as structural, functional, and spatial information, amino acid conservation, physicochemical variation, residue mobility, and thermodynamic stability) performed at Invitae indicates that this missense variant is not expected to disrupt CPLANE1 protein function. In summary, the available evidence is currently insufficient to determine the role of this variant in disease. Therefore, it has been classified as a Variant of Uncertain Significance.